The following is an entry in ClinVar:

ClinVar aggregate classification (germline): Uncertain significance (1 of 4 stars; one submission).

Conditions:
Galactosylceramide beta-galactosidase deficiency. Also called: GALACTOCEREBROSIDASE DEFICIENCY; GALC DEFICIENCY; GLOBOID CELL LEUKOENCEPHALOPATHY; Leukodystrophy, Globoid Cell; Krabbe Disease. Identifiers: Orphanet 487, MedGen C0023521, MONDO:0009499, OMIM 245200.

Submission:

Labcorp Genetics (formerly Invitae), Labcorp
Classification: Uncertain significance for Galactosylceramide beta-galactosidase deficiency. Last evaluated: 2024-06-03. Review status: criteria provided, single submitter. Criteria: Invitae Variant Classification Sherloc (09022015). Collection method: clinical testing. Allele origin: germline.
Comment: This sequence change disrupts the translational stop signal of the GALC mRNA. It is expected to extend the length of the GALC protein by 42 additional amino acid residues. This variant is not present in population databases (gnomAD no frequency). This variant has not been reported in the literature in individuals affected with GALC-related conditions. This variant results in an extension of the GALC protein. Other variant(s) that result in a similarly extended protein product (p.*686Glnext*42) have been determined to be pathogenic (PMID: 26795590, 30777126). This suggests that these extensions are likely to be disease-causing. In summary, the available evidence is currently insufficient to determine the role of this variant in disease. Therefore, it has been classified as a Variant of Uncertain Significance.

Literature cited by the submitters: PubMed 26795590; PubMed 30777126.

NM_000153.4(GALC):c.2058A>C (p.Ter686Tyr)

Gene: GALC (galactosylceramidase; minus strand). Cytogenetic location: 14q31.3.
Variant type: single nucleotide variant.
Coding change: c.2058A>C on transcript NM_000153.4 (MANE Select); coding-DNA position 2058, A replaced by C.
Protein change: p.Ter686Tyr.
Molecular consequence: stop lost. On other transcripts: non-coding transcript variant (1), intron variant (1).
Genome position (GRCh38, 1-based): chr14:87,934,732, T>G on the plus strand (A>C on the coding strand, the complement: GALC is on the minus strand). VCF-style: chr14-87934732-T-G. GRCh37 (hg19) VCF-style: chr14-88401076-T-G.
Other names: c.1989A>C, p.Ter663Tyr (NM_001201401.2); c.1980A>C, p.Ter660Tyr (NM_001201402.2); c.1890A>C, p.Ter630Tyr (NM_001424071.1, NM_001424072.1); c.1710A>C, p.Ter570Tyr (NM_001424074.1, NM_001424075.1); c.1425A>C, p.Ter475Tyr (NM_001424076.1, NM_001424077.1); c.1744-733A>C (NM_001424073.1).
Identifiers: ClinVar variation 2704425 (VCV002704425.3), dbSNP rs2503315694, ClinGen allele CA390745068.